The following is an entry in ClinVar:

ClinVar aggregate classification (germline): Likely benign. Review status: criteria provided, multiple submitters, no conflicts (2 of 4 stars). 3 submissions from 3 submitters: Likely benign (2). 1 of the submissions does not count toward it. Last evaluated 2025-10-14.

Conditions:
Hereditary cancer-predisposing syndrome. Also called: Tumor predisposition; Hereditary neoplastic syndrome; Hereditary Cancer Syndrome; Neoplastic Syndromes, Hereditary. Identifiers: Orphanet 140162, MedGen C0027672, MeSH D009386, MONDO:0015356.
Familial meningioma. Also called: Meningioma, familial, susceptibility to. Identifiers: Orphanet 263662, MedGen C3551915, MONDO:0011789, OMIM 607174.
SMARCE1-related disorder. Also called: SMARCE1-related condition.

Allele frequency attached by ClinVar (database versions not stated): gnomAD exomes below 0.00001 and 0.00001; TOPMed below 0.00001.
gnomAD v4.1: 6 of 1,613,628 alleles (0.00037%); highest among the groups gnomAD compares: South Asian, 0.0044%; no homozygotes.

Submissions (3):

Labcorp Genetics (formerly Invitae), Labcorp
Classification: Likely benign for Familial meningioma. Last evaluated: 2025-10-14. Review status: criteria provided, single submitter. Criteria: Invitae Variant Classification Sherloc (09022015). Collection method: clinical testing. Allele origin: germline.

Ambry Genetics
Classification: Likely benign for Hereditary cancer-predisposing syndrome. Last evaluated: 2021-12-07. Review status: criteria provided, single submitter. Criteria: Ambry Variant Classification Scheme 2023. Collection method: clinical testing. Allele origin: germline.

PreventionGenetics, part of Exact Sciences
Classification: Likely benign for SMARCE1-related condition. Last evaluated: 2022-10-19. Review status: no assertion criteria provided. Collection method: clinical testing. Allele origin: germline. Not counted in ClinVar's aggregate classification.
Comment: This variant is classified as likely benign based on ACMG/AMP sequence variant interpretation guidelines (Richards et al. 2015 PMID: 25741868, with internal and published modifications).

NM_003079.5(SMARCE1):c.1125C>T (p.Asp375=)

Gene: SMARCE1 (SWI/SNF related BAF chromatin remodeling complex subunit E1; minus strand). Cytogenetic location: 17q21.2.
Variant type: single nucleotide variant.
Coding change: c.1125C>T on transcript NM_003079.5 (MANE Select); coding-DNA position 1125, C replaced by T.
Protein change: p.Asp375=; no amino-acid change (aspartic acid 375 retained).
Molecular consequence: synonymous variant.
Genome position (GRCh38, 1-based): chr17:40,628,896, G>A on the plus strand (C>T on the coding strand, the complement: SMARCE1 is on the minus strand). VCF-style: chr17-40628896-G-A. GRCh37 (hg19) VCF-style: chr17-38785148-G-A.
Identifiers: ClinVar variation 1095941 (VCV001095941.13), dbSNP rs1178049897, ClinGen allele CA499962855.
Genomic context (GRCh38, chr17:40,628,896, plus strand): 5'-TGTTGCACTGTTGCTCTCCGAGCCAGTGTTACTATCACTGGTTCCTTCCTCTGCCATACT[G>A]TCGACCCCCTCCTGCCCACTCTCCTTGTCCTCAGGAGTAGACGTGCCTTCTTCACCATTC-3'
Protein context (NP_003070.3, residues 365-385): EDKESGQEGV[Asp375=]SMAEEGTSDS